The following is an entry in ClinVar:

ClinVar aggregate classification (germline): Likely benign. Review status: criteria provided, multiple submitters, no conflicts (2 of 4 stars). 4 submissions from 4 submitters: Likely benign (4). Last evaluated 2025-09-28.

Conditions:
Cardiomyopathy (CMYO). Also called: Cardiomyopathies. Identifiers: Orphanet 167848, MedGen C0878544, MONDO:0004994, HP:0001638. Inheritance: Various modes of inheritance.
Cardiovascular phenotype. Identifiers: MedGen CN230736.
Arrhythmogenic right ventricular cardiomyopathy (ARVD). Also called: Arrhythmogenic cardiomyopathy; Cardiomyopathy, ARVC; Arrhythmogenic right ventricular dysplasia; Arrhythmogenic Right Ventricular Cardiomyopathy (ARVC). Identifiers: Orphanet 247, MedGen C0349788, MeSH D019571, MONDO:0016587. Disease mechanism: loss of function. Inheritance: Various modes of inheritance.
Arrhythmogenic right ventricular dysplasia 10. Also called: Arrhythmogenic Right Ventricular Dysplasia/Cardiomyopathy10; ARRHYTHMOGENIC RIGHT VENTRICULAR DYSPLASIA, FAMILIAL, 10; Arrhythmogenic right ventricular dysplasia/cardiomyopathy, type 10. Identifiers: MedGen C1857777, MONDO:0012434, OMIM 610193.

Allele frequency attached by ClinVar (database versions not stated): gnomAD exomes below 0.00001; ExAC 0.00001.
gnomAD v4.1: 7 of 1,614,148 alleles (0.00043%); highest among the groups gnomAD compares: South Asian, 0.0011%; no homozygotes.

Submissions (4):

Labcorp Genetics (formerly Invitae), Labcorp
Classification: Likely benign for Arrhythmogenic right ventricular dysplasia 10. Last evaluated: 2025-09-28. Review status: criteria provided, single submitter. Criteria: Invitae Variant Classification Sherloc (09022015). Collection method: clinical testing. Allele origin: germline.

All of Us Research Program, National Institutes of Health
Classification: Likely benign for Arrhythmogenic right ventricular cardiomyopathy. Last evaluated: 2022-11-28. Review status: criteria provided, single submitter. Criteria: ACMG Guidelines, 2015. Collection method: clinical testing. Allele origin: germline. Inheritance: Autosomal dominant inheritance. Observed: 1 variant allele, 1 heterozygote.
Comment: This study involves interpretation of variants in research participants for the purpose of population health screening. Participant phenotype was not available at the time of variant classification. Additional details can be found in publication PMID: 35346344, PMCID: PMC8962531

Ambry Genetics
Classification: Likely benign for Cardiovascular phenotype. Last evaluated: 2020-09-13. Review status: criteria provided, single submitter. Criteria: Ambry Variant Classification Scheme 2023. Collection method: clinical testing. Allele origin: germline.

Color Diagnostics, LLC DBA Color Health
Classification: Likely benign for Cardiomyopathy. Last evaluated: 2019-12-29. Review status: criteria provided, single submitter. Criteria: ACMG Guidelines, 2015. Collection method: clinical testing. Allele origin: germline.

NM_001943.5(DSG2):c.3306A>G (p.Thr1102=)

Genes: DSG2 (desmoglein 2; plus strand), DSG2-AS1 (DSG2 antisense RNA 1; minus strand). Cytogenetic location: 18q12.1.
Variant type: single nucleotide variant.
Coding change: c.3306A>G on transcript NM_001943.5 (MANE Select); coding-DNA position 3306, A replaced by G.
Protein change: p.Thr1102=; no amino-acid change (threonine 1102 retained).
Molecular consequence: synonymous variant.
Genome position (GRCh38, 1-based): chr18:31,546,692, A>G. VCF-style: chr18-31546692-A-G. GRCh37 (hg19) VCF-style: chr18-29126655-A-G.
Identifiers: ClinVar variation 924713 (VCV000924713.8), dbSNP rs747930194, ClinGen allele CA048332.